The following is an entry in ClinVar:

NM_004082.5(DCTN1):c.3557T>C (p.Met1186Thr)

Gene: DCTN1 (dynactin subunit 1; minus strand). Cytogenetic location: 2p13.1.
Variant type: single nucleotide variant.
Coding change: c.3557T>C on transcript NM_004082.5 (MANE Select); coding-DNA position 3557, T replaced by C.
Protein change: p.Met1186Thr; replaces methionine 1186 with threonine.
Molecular consequence: missense variant. On other transcripts: non-coding transcript variant (1).
Genome position (GRCh38, 1-based): chr2:74,362,702, A>G on the plus strand (T>C on the coding strand, the complement: DCTN1 is on the minus strand). VCF-style: chr2-74362702-A-G. GRCh37 (hg19) VCF-style: chr2-74589829-A-G.
Other names: c.3482T>C, p.Met1161Thr (NM_001135040.3); c.3140T>C, p.Met1047Thr (NM_001135041.3); c.3431T>C, p.Met1144Thr (NM_001190836.2); c.3536T>C, p.Met1179Thr (NM_001190837.2); c.3506T>C, p.Met1169Thr (NM_001378991.1); c.3488T>C, p.Met1163Thr (NM_001378992.1); c.3155T>C, p.Met1052Thr (NM_023019.4); short protein forms M1052T, M1144T, M1186T, M1161T, M1047T, M1179T, M1163T, M1169T.
Identifiers: ClinVar variation 572789 (VCV000572789.57), dbSNP rs145819459, ClinGen allele CA1721441.

ClinVar aggregate classification (germline): Conflicting classifications of pathogenicity. Review status: criteria provided, conflicting classifications (1 of 4 stars). 4 submissions from 4 submitters: Uncertain significance (3); Likely benign (1). Last evaluated 2025-09-05.

Conditions:
Amyotrophic lateral sclerosis type 1 (ALS1). Also called: AMYOTROPHIC LATERAL SCLEROSIS 1, FAMILIAL. Identifiers: Orphanet 803, MedGen C1862939, MONDO:0007103, OMIM 105400.
Perry syndrome. Also called: PARKINSONISM WITH ALVEOLAR HYPOVENTILATION AND MENTAL DEPRESSION. Identifiers: Orphanet 178509, MedGen C1868594, MONDO:0008201, OMIM 168605.
Neuronopathy, distal hereditary motor, type 7B. Also called: Distal Hereditary Motor Neuronopathy Type 7B (dHMN7B); NEURONOPATHY, DISTAL HEREDITARY MOTOR, AUTOSOMAL DOMINANT 14; NEURONOPATHY, DISTAL HEREDITARY MOTOR, HARDING TYPE VIIB; NEUROPATHY, DISTAL HEREDITARY MOTOR, HARDING TYPE VIIB; NEUROPATHY, DISTAL HEREDITARY MOTOR, WITH VOCAL CORD PARALYSIS, HARDING TYPE VIIB; HMN VIIB. Identifiers: Orphanet 139589, MedGen C1843315, MONDO:0011879, OMIM 607641.
Inborn genetic diseases. Identifiers: MedGen C0950123, MeSH D030342.

Allele frequency attached by ClinVar (database versions not stated): ExAC 0.00003; gnomAD exomes 0.00005; TOPMed 0.00005; gnomAD 0.00006; ESP Exome Variant Server 0.00008.

Submissions (4):

Labcorp Genetics (formerly Invitae), Labcorp
Classification: Uncertain significance for Amyotrophic lateral sclerosis type 1; Neuronopathy, distal hereditary motor, type 7B; Perry syndrome. Last evaluated: 2025-09-05. Review status: criteria provided, single submitter. Criteria: Invitae Variant Classification Sherloc (09022015). Collection method: clinical testing. Allele origin: germline.
Comment: This sequence change replaces methionine, which is neutral and non-polar, with threonine, which is neutral and polar, at codon 1186 of the DCTN1 protein (p.Met1186Thr). This variant is present in population databases (rs145819459, gnomAD 0.02%). This variant has not been reported in the literature in individuals affected with DCTN1-related conditions. ClinVar contains an entry for this variant (Variation ID: 572789). Invitae Evidence Modeling of protein sequence and biophysical properties (such as structural, functional, and spatial information, amino acid conservation, physicochemical variation, residue mobility, and thermodynamic stability) indicates that this missense variant is not expected to disrupt DCTN1 protein function with a negative predictive value of 95%. In summary, the available evidence is currently insufficient to determine the role of this variant in disease. Therefore, it has been classified as a Variant of Uncertain Significance.

Fulgent Genetics
Classification: Uncertain significance for Amyotrophic lateral sclerosis type 1; Perry syndrome; Neuronopathy, distal hereditary motor, type 7B. Last evaluated: 2022-02-15. Review status: criteria provided, single submitter. Criteria: ACMG Guidelines, 2015. Collection method: clinical testing. Allele origin: unknown.

ARUP Laboratories, Molecular Genetics and Genomics, ARUP Laboratories
Classification: Uncertain significance. Last evaluated: 2021-09-27. Review status: criteria provided, single submitter. Criteria: ARUP Molecular Germline Variant Investigation Process 2021. Collection method: clinical testing. Allele origin: germline.
Comment: The DCTN1 c.3557T>C, p.Met1186Thr variant (rs145819459), to our knowledge, has not been reported in the medical literature; however, this variant is listed in the ClinVar database (Variation ID: 572789). This variant is found in the general population with an overall allele frequency of 0.005% (15/275,000 alleles) in the Genome Aggregation Database. The methionine at codon 1186 is weakly conserved, but computational analyses are uncertain whether this variant is neutral or deleterious (REVEL: 0.189). Based on the available information, the clinical significance of this variant is uncertain.

Ambry Genetics
Classification: Likely benign for Inborn genetic diseases. Last evaluated: 2020-01-13. Review status: criteria provided, single submitter. Criteria: Ambry Variant Classification Scheme 2023. Collection method: clinical testing. Allele origin: germline.